The following is an entry in ClinVar:

ClinVar aggregate classification (germline): Uncertain significance (1 of 4 stars; one submission).

Allele frequency attached by ClinVar (database versions not stated): gnomAD exomes below 0.00001.
gnomAD v4.1: 1 of 1,611,972 alleles (0.000062%); highest among the groups gnomAD compares: Non-Finnish European, 0.000085%; no homozygotes.

Submission:

Labcorp Genetics (formerly Invitae), Labcorp
Classification: Uncertain significance. Last evaluated: 2022-09-06. Review status: criteria provided, single submitter. Criteria: Invitae Variant Classification Sherloc (09022015). Collection method: clinical testing. Allele origin: germline.
Comment: In summary, the available evidence is currently insufficient to determine the role of this variant in disease. Therefore, it has been classified as a Variant of Uncertain Significance. Algorithms developed to predict the effect of missense changes on protein structure and function are either unavailable or do not agree on the potential impact of this missense change (SIFT: "Deleterious"; PolyPhen-2: "Probably Damaging"; Align-GVGD: "Class C0"). This variant has not been reported in the literature in individuals affected with SEPT9-related conditions. This variant is not present in population databases (gnomAD no frequency). This sequence change replaces serine, which is neutral and polar, with cysteine, which is neutral and slightly polar, at codon 303 of the SEPT9 protein (p.Ser303Cys).

NM_001113491.2(SEPTIN9):c.962C>G (p.Ser321Cys)

Gene: SEPTIN9 (septin 9; plus strand). Cytogenetic location: 17q25.3.
Variant type: single nucleotide variant.
Coding change: c.962C>G on transcript NM_001113491.2 (MANE Select); coding-DNA position 962, C replaced by G.
Protein change: p.Ser321Cys; replaces serine 321 with cysteine.
Molecular consequence: missense variant.
Genome position (GRCh38, 1-based): chr17:77,487,472, C>G. VCF-style: chr17-77487472-C-G. GRCh37 (hg19) VCF-style: chr17-75483554-C-G.
Other names: c.470C>G, p.Ser157Cys (NM_001113492.2, NM_001113494.1); c.941C>G, p.Ser314Cys (NM_001113493.2); c.209C>G, p.Ser70Cys (NM_001113495.2, NM_001113496.2, NM_001293697.2 and 1 more transcripts); c.905C>G, p.Ser302Cys (NM_001293695.2); c.290C>G, p.Ser97Cys (NM_001293696.2); c.908C>G, p.Ser303Cys (NM_006640.5); short protein forms S157C, S302C, S303C, S314C, S321C, S70C, S97C.
Identifiers: ClinVar variation 2445564 (VCV002445564.4), dbSNP rs2510108284, ClinGen allele CA401208683.